The following is an entry in ClinVar:

ClinVar aggregate classification (germline): Conflicting classifications of pathogenicity. Review status: criteria provided, conflicting classifications (1 of 4 stars). 8 submissions from 4 submitters: Uncertain significance (6); Benign (2). Last evaluated 2020-12-31.

Conditions:
Tibial muscular dystrophy (TMD). Also called: Udd Distal Myopathy – Tibial Muscular Dystrophy; UDD MYOPATHY; Tibial muscular dystrophy, tardive. Identifiers: Orphanet 609, MedGen C1838244, MONDO:0010870, OMIM 600334.
Cardiovascular phenotype. Identifiers: MedGen CN230736.
Dilated cardiomyopathy 1G (CMD1G). Identifiers: Orphanet 154, MedGen C1858763, MONDO:0011400, OMIM 604145.
Autosomal recessive limb-girdle muscular dystrophy type 2J (LGMDR10). Also called: MUSCULAR DYSTROPHY, LIMB-GIRDLE, AUTOSOMAL RECESSIVE 10; Limb-girdle muscular dystrophy, type 2J. Identifiers: Orphanet 140922, MedGen C1837342, MONDO:0012127, OMIM 608807.
Early-onset myopathy with fatal cardiomyopathy (CMYO5). Also called: CONGENITAL MYOPATHY 5 WITH CARDIOMYOPATHY; Salih Myopathy. Identifiers: Orphanet 289377, MedGen C2673677, MONDO:0012714, OMIM 611705. Disease mechanism: loss of function.
Myopathy, myofibrillar, 9, with early respiratory failure (MFM9). Also called: Myopathy, distal, with early respiratory failure, autosomal dominant; Hereditary myopathy with early respiratory failure; EDSTROM MYOPATHY; MYOPATHY, PROXIMAL, WITH EARLY RESPIRATORY MUSCLE INVOLVEMENT. Identifiers: Orphanet 178464, Orphanet 34521, MedGen C1863599, MONDO:0011362, OMIM 603689.

Allele frequency attached by ClinVar (database versions not stated): gnomAD exomes 0.00003 and 0.00007; gnomAD 0.00006 and 0.00007; TOPMed 0.00006; ExAC 0.00008; ESP Exome Variant Server 0.00008.
gnomAD v4.1: 55 of 1,613,474 alleles (0.0034%); highest among the groups gnomAD compares: African/African-American, 0.012%; no homozygotes.

Submissions (8):

Revvity Omics, Revvity
Classification: Uncertain significance. Last evaluated: 2020-12-31. Review status: criteria provided, single submitter. Criteria: ACMG Guidelines, 2015. Collection method: clinical testing. Allele origin: germline.

Ambry Genetics
Classification: Uncertain significance for Cardiovascular phenotype. Last evaluated: 2020-02-11. Review status: criteria provided, single submitter. Criteria: Ambry Variant Classification Scheme 2023. Collection method: clinical testing. Allele origin: germline.
Comment: The p.V19423I variant (also known as c.58267G>A), located in coding exon 153 of the TTN gene, results from a G to A substitution at nucleotide position 58267. The valine at codon 19423 is replaced by isoleucine, an amino acid with highly similar properties. This amino acid position is highly conserved in available vertebrate species. In addition, this alteration is predicted to be tolerated by in silico analysis. Since supporting evidence is limited at this time, the clinical significance of this alteration remains unclear.

Illumina Laboratory Services, Illumina
Classification: Benign for Tibial muscular dystrophy. Last evaluated: 2018-01-13. Review status: criteria provided, single submitter. Criteria: ICSL Variant Classification Criteria 13 December 2019. Collection method: clinical testing. Allele origin: germline.
Comment: This variant was observed in the ICSL laboratory as part of a predisposition screen in an ostensibly healthy population. It had not been previously curated by ICSL or reported in the Human Gene Mutation Database (HGMD: prior to June 1st, 2018), and was therefore a candidate for classification through an automated scoring system. Utilizing variant allele frequency, disease prevalence and penetrance estimates, and inheritance mode, an automated score was calculated to assess if this variant is too frequent to cause the disease. Based on the score and internal cut-off values, a variant classified as benign is not then subjected to further curation. The score for this variant resulted in a classification of benign for this disease.

Illumina Laboratory Services, Illumina
Classification: Uncertain significance for Autosomal recessive limb-girdle muscular dystrophy type 2J. Last evaluated: 2018-01-13. Review status: criteria provided, single submitter. Criteria: ICSL Variant Classification Criteria 13 December 2019. Collection method: clinical testing. Allele origin: germline.

Illumina Laboratory Services, Illumina
Classification: Benign for Myopathy, myofibrillar, 9, with early respiratory failure. Last evaluated: 2018-01-13. Review status: criteria provided, single submitter. Criteria: ICSL Variant Classification Criteria 13 December 2019. Collection method: clinical testing. Allele origin: germline.
Comment: the same text as in the submission from Illumina Laboratory Services, Illumina above.

Illumina Laboratory Services, Illumina
Classification: Uncertain significance for Dilated cardiomyopathy 1G. Last evaluated: 2018-01-13. Review status: criteria provided, single submitter. Criteria: ICSL Variant Classification Criteria 13 December 2019. Collection method: clinical testing. Allele origin: germline.

Illumina Laboratory Services, Illumina
Classification: Uncertain significance for Early-onset myopathy with fatal cardiomyopathy. Last evaluated: 2018-01-13. Review status: criteria provided, single submitter. Criteria: ICSL Variant Classification Criteria 13 December 2019. Collection method: clinical testing. Allele origin: germline.

Labcorp Genetics (formerly Invitae), Labcorp
Classification: Uncertain significance for Dilated cardiomyopathy 1G; Autosomal recessive limb-girdle muscular dystrophy type 2J. Last evaluated: 2017-08-31. Review status: criteria provided, single submitter. Criteria: Invitae Variant Classification Sherloc (09022015). Collection method: clinical testing. Allele origin: germline.

NM_001267550.2(TTN):c.85462G>A (p.Val28488Ile)

Genes: TTN (titin; minus strand), TTN-AS1 (TTN antisense RNA 1; plus strand). Cytogenetic location: 2q31.2.
Variant type: single nucleotide variant.
Coding change: c.85462G>A on transcript NM_001267550.2 (MANE Select); coding-DNA position 85462, G replaced by A.
Protein change: p.Val28488Ile; replaces valine 28488 with isoleucine.
Molecular consequence: missense variant.
Genome position (GRCh38, 1-based): chr2:178,560,670, C>T on the plus strand (G>A on the coding strand, the complement: TTN is on the minus strand). VCF-style: chr2-178560670-C-T. GRCh37 (hg19) VCF-style: chr2-179425397-C-T.
Other names: c.80539G>A, p.Val26847Ile (NM_001256850.1); c.58267G>A, p.Val19423Ile (NM_003319.4); c.77758G>A, p.Val25920Ile (NM_133378.4); c.58642G>A, p.Val19548Ile (NM_133432.3); c.58843G>A, p.Val19615Ile (NM_133437.4); short protein forms V25920I, V28488I, V19423I, V19548I, V19615I, V26847I.
Identifiers: ClinVar variation 332746 (VCV000332746.18), dbSNP rs377264123, ClinGen allele CA1988636.